The following is an entry in ClinVar:

NM_001783.4(CD79A):c.258C>A (p.Asp86Glu)

Genes: CD79A (CD79a molecule; plus strand), RPS19-CD79A (RPS19-CD79A readthrough; plus strand). Cytogenetic location: 19q13.2.
Variant type: single nucleotide variant.
Coding change: c.258C>A on transcript NM_001783.4 (MANE Select); coding-DNA position 258, C replaced by A.
Protein change: p.Asp86Glu; replaces aspartic acid 86 with glutamic acid.
Molecular consequence: missense variant.
Genome position (GRCh38, 1-based): chr19:41,879,168, C>A. VCF-style: chr19-41879168-C-A. GRCh37 (hg19) VCF-style: chr19-42383238-C-A.
Other names: c.258C>A, p.Asp86Glu (NM_021601.4); short protein forms D86E.
Identifiers: ClinVar variation 133832 (VCV000133832.8), dbSNP rs587778166, ClinGen allele CA157909.

ClinVar aggregate classification (germline): Uncertain significance. Review status: criteria provided, single submitter (1 of 4 stars). 2 submissions from 2 submitters: Uncertain significance (1). 1 of the submissions does not count toward it. Last evaluated 2021-09-01.

Conditions:
Agammaglobulinemia 3, autosomal recessive (AGM3). Also called: AGAMMAGLOBULINEMIA 3; AGAMMAGLOBULINEMIA, AUTOSOMAL RECESSIVE, DUE TO CD79A DEFECT. Identifiers: MedGen C3150751, MONDO:0013288, OMIM 613501.

Allele frequency attached by ClinVar (database versions not stated): gnomAD 0.00001 and 0.00002; TOPMed 0.00002; gnomAD exomes 0.00006 and 0.00010; ExAC 0.00007.

Submissions (2):

Labcorp Genetics (formerly Invitae), Labcorp
Classification: Uncertain significance for Agammaglobulinemia 3, autosomal recessive. Last evaluated: 2021-09-01. Review status: criteria provided, single submitter. Criteria: Invitae Variant Classification Sherloc (09022015). Collection method: clinical testing. Allele origin: germline.
Comment: This sequence change replaces aspartic acid with glutamic acid at codon 86 of the CD79A protein (p.Asp86Glu). The aspartic acid residue is weakly conserved and there is a small physicochemical difference between aspartic acid and glutamic acid. This variant is present in population databases (rs587778166, ExAC 0.04%). This variant has not been reported in the literature in individuals affected with CD79A-related conditions. ClinVar contains an entry for this variant (Variation ID: 133832). Algorithms developed to predict the effect of missense changes on protein structure and function output the following: SIFT: "Tolerated"; PolyPhen-2: "Benign"; Align-GVGD: "Class C0". The glutamic acid amino acid residue is found in multiple mammalian species, which suggests that this missense change does not adversely affect protein function. In summary, the available evidence is currently insufficient to determine the role of this variant in disease. Therefore, it has been classified as a Variant of Uncertain Significance.

ITMI
No classification provided. Condition: AllHighlyPenetrant. Last evaluated: 2013-09-19. Review status: no classification provided. Collection method: reference population. Allele origin: germline. Not counted in ClinVar's aggregate classification.
Comment: Please see associated publication for description of ethnicities

Literature cited by the submitters: PubMed 24728327 (cited by ITMI).